The following is an entry in ClinVar:

NM_001077653.2(TBX20):c.362TCA[3] (p.Ile122_Thr123insIle)

Gene: TBX20 (T-box transcription factor 20; minus strand). Cytogenetic location: 7p14.2.
Variant type: Microsatellite.
Coding change: c.362TCA[3] on transcript NM_001077653.2 (MANE Select); three copies in a row of the 3-base unit TCA starting at c.362; the reference has two copies in a row; one copy, 3 bases duplicated.
Protein change: p.Ile122_Thr123insIle.
Molecular consequence: inframe insertion.
Genome position (GRCh38, 1-based): chr7:35,249,964-35,249,966, TGA duplicated on the plus strand (TCA on the coding strand, the reverse complement: TBX20 is on the minus strand); duplicating any 3 consecutive bases within chr7:35,249,964-35,249,970 gives the same sequence; the position shown is the placement nearest the transcript's 3' end. VCF-style (leftmost placement, unchanged base first): chr7-35249963-G-GTGA. GRCh37 (hg19) VCF-style: chr7-35289575-G-GTGA.
Other names: c.362TCA[3], p.Ile122_Thr123insIle (NM_001166220.1).
Identifiers: ClinVar variation 2765408 (VCV002765408.3), dbSNP rs2546997269, ClinGen allele CA2697557212.
Genomic context (GRCh38, chr7:35,249,963, plus strand): 5'-GTGTCCTGACTCTCCACCCCCAACCCCCAACCCCCAAGTCCCAACTACCTGCCCGACTTG[G>GTGA]TGATGATCATCTCGGTGCCCAGCTCATGGAATTTGTCCCAAAGCTCCTTGGTCTCCAGGC-3'

ClinVar aggregate classification (germline): Uncertain significance (1 of 4 stars; one submission).

Submission:

Labcorp Genetics (formerly Invitae), Labcorp
Classification: Uncertain significance. Last evaluated: 2023-06-04. Review status: criteria provided, single submitter. Criteria: Invitae Variant Classification Sherloc (09022015). Collection method: clinical testing. Allele origin: germline.
Comment: In summary, the available evidence is currently insufficient to determine the role of this variant in disease. Therefore, it has been classified as a Variant of Uncertain Significance. This variant has not been reported in the literature in individuals affected with TBX20-related conditions. This variant is not present in population databases (gnomAD no frequency). This variant, c.365_367dup, results in the insertion of 1 amino acid(s) of the TBX20 protein (p.Ile122dup), but otherwise preserves the integrity of the reading frame.